The following is an entry in ClinVar:

NM_001289104.2(PRKCSH):c.762+2T>C

Gene: PRKCSH (PRKCSH beta subunit of glucosidase II; plus strand). Cytogenetic location: 19p13.2.
Variant type: single nucleotide variant.
Coding change: c.762+2T>C on transcript NM_001289104.2 (MANE Select); the canonical splice donor site of the intron after coding-DNA position 762, T replaced by C.
Molecular consequence: splice donor variant.
Genome position (GRCh38, 1-based): chr19:11,446,352, T>C. VCF-style: chr19-11446352-T-C. GRCh37 (hg19) VCF-style: chr19-11557167-T-C.
Other names: c.762+2T>C (NM_001289103.2, NM_001379609.1, NM_001379608.1 and 3 more transcripts).
Identifiers: ClinVar variation 636894 (VCV000636894.11), dbSNP rs112915100, ClinGen allele CA9212965.
Genomic context (GRCh38, chr19:11,446,352, plus strand): 5'-AGACTCACCCGGAGCTGGACACAGATGGGGATGGGGCGTTGTCAGAAGCGGAAGCTCAGG[T>C]ACCCCCGGCTGCCCCTTGGTTGGGGACTTCTAGGGAGCATTGCCCCAGGGTGACCTCAGG-3'

ClinVar aggregate classification (germline): Likely pathogenic. Review status: criteria provided, multiple submitters, no conflicts (2 of 4 stars). 5 submissions from 5 submitters: Likely pathogenic (4). 1 of the submissions does not count toward it. Last evaluated 2025-10-14.

Conditions:
Polycystic liver disease 1 (PCLD1). Also called: Polycystic liver disease 1 with or without kidney cysts. Identifiers: Orphanet 2924, MedGen C0887850, MONDO:0008265, OMIM 174050.
PRKCSH-related disorder. Also called: PRKCSH-related condition.

Allele frequency attached by ClinVar (database versions not stated): gnomAD exomes 0.00001 and 0.00013; ExAC 0.00002; gnomAD 0.00008; TOPMed 0.00009.
gnomAD v4.1: 193 of 1,612,244 alleles (0.012%); highest among the groups gnomAD compares: Non-Finnish European, 0.016%; no homozygotes.

Submissions (5):

GeneDx
Classification: Likely pathogenic. Last evaluated: 2025-10-14. Review status: criteria provided, single submitter. Criteria: GeneDx Variant Classification Process June 2021. Collection method: clinical testing. Allele origin: germline.
Comment: Canonical splice site variant predicted to result in a null allele in a gene for which loss of function is a known mechanism of disease; This variant is associated with the following publications: (PMID: 25525159, 12529853, 38057357)

Fulgent Genetics
Classification: Likely pathogenic for Polycystic liver disease 1. Last evaluated: 2024-03-26. Review status: criteria provided, single submitter. Criteria: ACMG Guidelines, 2015. Collection method: clinical testing. Allele origin: germline.

Blueprint Genetics
Classification: Likely pathogenic for PRKCSH-related disorders. Last evaluated: 2024-03-15. Review status: criteria provided, single submitter. Criteria: ACMG Guidelines, 2015. Collection method: clinical testing. Allele origin: germline. Affected: yes. Observed: 3 variant alleles.

Revvity Omics, Revvity
Classification: Likely pathogenic for Polycystic liver disease 1. Last evaluated: 2021-10-04. Review status: criteria provided, single submitter. Criteria: ACMG Guidelines, 2015. Collection method: clinical testing. Allele origin: germline.

Genomics And Bioinformatics Analysis Resource, Columbia University
Classification: Likely pathogenic for Polycystic liver disease 1. Review status: no assertion criteria provided. Collection method: research. Allele origin: unknown. Affected: yes. Not counted in ClinVar's aggregate classification.